The following is an entry in ClinVar:

ClinVar aggregate classification (germline): Uncertain significance (1 of 4 stars; one submission).

Conditions:
Cardiovascular phenotype. Identifiers: MedGen CN230736.

gnomAD v4.1: 1 of 1,613,070 alleles (0.000062%); highest among the groups gnomAD compares: Non-Finnish European, 0.000085%; no homozygotes.

Submission:

Ambry Genetics
Classification: Uncertain significance for Cardiovascular phenotype. Last evaluated: 2024-09-22. Review status: criteria provided, single submitter. Criteria: Ambry Variant Classification Scheme 2023. Collection method: clinical testing. Allele origin: germline.
Comment: The p.D59Y variant (also known as c.175G>T), located in coding exon 1 of the FLNC gene, results from a G to T substitution at nucleotide position 175. The aspartic acid at codon 59 is replaced by tyrosine, an amino acid with highly dissimilar properties. This amino acid position is conserved. In addition, the in silico prediction for this alteration is inconclusive. Based on the available evidence, the clinical significance of this variant remains unclear.

NM_001458.5(FLNC):c.175G>T (p.Asp59Tyr)

Gene: FLNC (filamin C; plus strand). Cytogenetic location: 7q32.1.
Variant type: single nucleotide variant.
Coding change: c.175G>T on transcript NM_001458.5 (MANE Select); coding-DNA position 175, G replaced by T.
Protein change: p.Asp59Tyr; replaces aspartic acid 59 with tyrosine.
Molecular consequence: missense variant.
Genome position (GRCh38, 1-based): chr7:128,830,812, G>T. VCF-style: chr7-128830812-G-T. GRCh37 (hg19) VCF-style: chr7-128470866-G-T.
Other names: c.175G>T, p.Asp59Tyr (NM_001127487.2); short protein forms D59Y.
Identifiers: ClinVar variation 3515945 (VCV003515945.1).